The following is an entry in ClinVar:

ClinVar aggregate classification (germline): Uncertain significance (1 of 4 stars; one submission).

Submission:

Labcorp Genetics (formerly Invitae), Labcorp
Classification: Uncertain significance. Last evaluated: 2020-09-30. Review status: criteria provided, single submitter. Criteria: Invitae Variant Classification Sherloc (09022015). Collection method: clinical testing. Allele origin: germline.
Comment: In summary, the available evidence is currently insufficient to determine the role of this variant in disease. Therefore, it has been classified as a Variant of Uncertain Significance. Algorithms developed to predict the effect of missense changes on protein structure and function are either unavailable or do not agree on the potential impact of this missense change (SIFT: "Deleterious"; PolyPhen-2: "Probably Damaging"; Align-GVGD: "Class C0"). This variant has not been reported in the literature in individuals with CTNNA1-related conditions. This variant is not present in population databases (ExAC no frequency). This sequence change replaces leucine with serine at codon 404 of the CTNNA1 protein (p.Leu404Ser). The leucine residue is highly conserved and there is a large physicochemical difference between leucine and serine.

NM_001903.5(CTNNA1):c.1211T>C (p.Leu404Ser)

Gene: CTNNA1 (catenin alpha 1; plus strand). Cytogenetic location: 5q31.2.
Variant type: single nucleotide variant.
Coding change: c.1211T>C on transcript NM_001903.5 (MANE Select); coding-DNA position 1211, T replaced by C.
Protein change: p.Leu404Ser; replaces leucine 404 with serine.
Molecular consequence: missense variant. On other transcripts: 5 prime UTR variant (5), intron variant (2).
Genome position (GRCh38, 1-based): chr5:138,887,557, T>C. VCF-style: chr5-138887557-T-C. GRCh37 (hg19) VCF-style: chr5-138223246-T-C.
Other names: c.1211T>C, p.Leu404Ser (NM_001290307.3, NM_001323982.2, NM_001323983.1 and 3 more transcripts); c.902T>C, p.Leu301Ser (NM_001290309.3); c.842T>C, p.Leu281Ser (NM_001290310.3); c.101T>C, p.Leu34Ser (NM_001290312.1, NM_001323987.1, NM_001323988.1 and 18 more transcripts); c.-297T>C (NM_001324006.1, NM_001324007.1, NM_001324008.1 and 1 more transcripts); c.-172T>C (NM_001324013.1); c.-58+11960T>C (NM_001324012.1); c.-61+11960T>C (NM_001324010.1); short protein forms L281S, L301S, L34S, L404S.
Identifiers: ClinVar variation 1003065 (VCV001003065.8), dbSNP rs1754345735, ClinGen allele CA361133078.